The following is an entry in ClinVar:

ClinVar aggregate classification (germline): Uncertain significance (1 of 4 stars; one submission).

Submission:

GeneDx
Classification: Uncertain significance. Last evaluated: 2025-04-21. Review status: criteria provided, single submitter. Criteria: GeneDx Variant Classification Process June 2021. Collection method: clinical testing. Allele origin: germline. Affected: yes.
Comment: Not observed at significant frequency in large population cohorts (gnomAD); In silico analysis supports that this missense variant has a deleterious effect on protein structure/function; Has not been previously published as pathogenic or benign to our knowledge

NM_004789.4(LHX2):c.460G>A (p.Asp154Asn)

Gene: LHX2 (LIM homeobox 2; plus strand). Cytogenetic location: 9q33.3.
Variant type: single nucleotide variant.
Coding change: c.460G>A on transcript NM_004789.4 (MANE Select); coding-DNA position 460, G replaced by A.
Protein change: p.Asp154Asn; replaces aspartic acid 154 with asparagine.
Molecular consequence: missense variant.
Genome position (GRCh38, 1-based): chr9:124,015,258, G>A. VCF-style: chr9-124015258-G-A. GRCh37 (hg19) VCF-style: chr9-126777537-G-A.
Other names: short protein forms D154N.
Identifiers: ClinVar variation 4527146 (VCV004527146.1).